The following is an entry in ClinVar:

NM_021922.3(FANCE):c.818G>T (p.Gly273Val)

Gene: FANCE (FA complementation group E; plus strand). Cytogenetic location: 6p21.31.
Variant type: single nucleotide variant.
Coding change: c.818G>T on transcript NM_021922.3 (MANE Select); coding-DNA position 818, G replaced by T.
Protein change: p.Gly273Val; replaces glycine 273 with valine.
Molecular consequence: missense variant.
Genome position (GRCh38, 1-based): chr6:35,456,316, G>T. VCF-style: chr6-35456316-G-T. GRCh37 (hg19) VCF-style: chr6-35424093-G-T.
Other names: short protein forms G273V.
Identifiers: ClinVar variation 1500634 (VCV001500634.8), dbSNP rs1468356265, ClinGen allele CA363774233.

ClinVar aggregate classification (germline): Uncertain significance (1 of 4 stars; one submission).

Conditions:
Fanconi anemia complementation group E (FANCE). Also called: FANCE-Related Fanconi Anemia. Identifiers: Orphanet 84, MedGen C3160739, MONDO:0010953, OMIM 600901.

Submission:

Labcorp Genetics (formerly Invitae), Labcorp
Classification: Uncertain significance for Fanconi anemia complementation group E. Last evaluated: 2021-06-22. Review status: criteria provided, single submitter. Criteria: Invitae Variant Classification Sherloc (09022015). Collection method: clinical testing. Allele origin: germline.
Comment: This sequence change replaces glycine with valine at codon 273 of the FANCE protein (p.Gly273Val). The glycine residue is weakly conserved and there is a moderate physicochemical difference between glycine and valine. Algorithms developed to predict the effect of missense changes on protein structure and function are either unavailable or do not agree on the potential impact of this missense change (SIFT: "Tolerated"; PolyPhen-2: "Possibly Damaging"; Align-GVGD: "Class C0"). This variant has not been reported in the literature in individuals with FANCE-related conditions. This variant is not present in population databases (ExAC no frequency). In summary, the available evidence is currently insufficient to determine the role of this variant in disease. Therefore, it has been classified as a Variant of Uncertain Significance.